The following is an entry in ClinVar:

NM_024642.5(GALNT12):c.796G>A (p.Glu266Lys)

Gene: GALNT12 (polypeptide N-acetylgalactosaminyltransferase 12; plus strand). Cytogenetic location: 9q22.33.
Variant type: single nucleotide variant.
Coding change: c.796G>A on transcript NM_024642.5 (MANE Select); coding-DNA position 796, G replaced by A.
Protein change: p.Glu266Lys; replaces glutamic acid 266 with lysine.
Molecular consequence: missense variant.
Genome position (GRCh38, 1-based): chr9:98,831,836, G>A. VCF-style: chr9-98831836-G-A. GRCh37 (hg19) VCF-style: chr9-101594118-G-A.
Other names: short protein forms E266K.
Identifiers: ClinVar variation 485666 (VCV000485666.17), dbSNP rs759750251, ClinGen allele CA5154059.
Genomic context (GRCh38, chr9:98,831,836, plus strand): 5'-CATGAAGAGGAGTCGGCAGTGGTGTGCCCGGTGATTGATGTGATCGACTGGAACACCTTC[G>A]AATACCTGGGGAACTCCGGGGAGCCCCAGATCGGCGGTTTCGACTGGAGGCTGGTGTTCA-3'
Protein context (NP_078918.3, residues 256-276): VIDVIDWNTF[Glu266Lys]YLGNSGEPQI

ClinVar aggregate classification (germline): Uncertain significance. Review status: criteria provided, multiple submitters, no conflicts (2 of 4 stars). 4 submissions from 4 submitters: Uncertain significance (4). Last evaluated 2025-03-24.

Conditions:
Colorectal cancer, susceptibility to, 1. Also called: COLORECTAL ADENOMA AND CANCER, SUSCEPTIBILITY TO; COLORECTAL CANCER, SUSCEPTIBILITY TO, ON CHROMOSOME 9. Identifiers: MedGen C1837315, MONDO:0012132, OMIM 608812.

Allele frequency attached by ClinVar (database versions not stated): gnomAD exomes 0.00002; ExAC 0.00003; gnomAD 0.00004; TOPMed 0.00005.
gnomAD v4.1: 30 of 1,614,026 alleles (0.0019%); highest among the groups gnomAD compares: African/African-American, 0.008%; no homozygotes.

Submissions (4):

Ambry Genetics
Classification: Uncertain significance. Last evaluated: 2025-03-24. Review status: criteria provided, single submitter. Criteria: Ambry Variant Classification Scheme 2023. Collection method: clinical testing. Allele origin: germline.
Comment: The p.E266K variant (also known as c.796G>A), located in coding exon 4 of the GALNT12 gene, results from a G to A substitution at nucleotide position 796. The glutamic acid at codon 266 is replaced by lysine, an amino acid with similar properties. This amino acid position is well conserved in available vertebrate species. In addition, the in silico prediction for this alteration is inconclusive. Since supporting evidence is limited at this time, the clinical significance of this alteration remains unclear.

Labcorp Genetics (formerly Invitae), Labcorp
Classification: Uncertain significance. Last evaluated: 2025-03-16. Review status: criteria provided, single submitter. Criteria: Invitae Variant Classification Sherloc (09022015). Collection method: clinical testing. Allele origin: germline.
Comment: This sequence change replaces glutamic acid, which is acidic and polar, with lysine, which is basic and polar, at codon 266 of the GALNT12 protein (p.Glu266Lys). This variant is present in population databases (rs759750251, gnomAD 0.007%). This variant has not been reported in the literature in individuals affected with GALNT12-related conditions. ClinVar contains an entry for this variant (Variation ID: 485666). Invitae Evidence Modeling of protein sequence and biophysical properties (such as structural, functional, and spatial information, amino acid conservation, physicochemical variation, residue mobility, and thermodynamic stability) indicates that this missense variant is not expected to disrupt GALNT12 protein function with a negative predictive value of 80%. In summary, the available evidence is currently insufficient to determine the role of this variant in disease. Therefore, it has been classified as a Variant of Uncertain Significance.

Department of Pathology and Laboratory Medicine, Sinai Health System
Classification: Uncertain significance for Colorectal cancer, susceptibility to, 1. Last evaluated: 2024-10-02. Review status: criteria provided, single submitter. Criteria: ACMG Guidelines, 2015. Collection method: clinical testing. Allele origin: germline.

Baylor Genetics
Classification: Uncertain significance for Colorectal cancer, susceptibility to, 1. Last evaluated: 2024-03-05. Review status: criteria provided, single submitter. Criteria: ACMG Guidelines, 2015. Collection method: clinical testing. Allele origin: unknown.